The following is an entry in ClinVar:

NM_000548.5(TSC2):c.4989G>A (p.Lys1663=)

Gene: TSC2 (TSC complex subunit 2; plus strand). Cytogenetic location: 16p13.3.
Variant type: single nucleotide variant.
Coding change: c.4989G>A on transcript NM_000548.5 (MANE Select); coding-DNA position 4989, G replaced by A.
Protein change: p.Lys1663=; no amino-acid change (lysine 1663 retained).
Molecular consequence: synonymous variant.
Genome position (GRCh38, 1-based): chr16:2,086,871, G>A. VCF-style: chr16-2086871-G-A. GRCh37 (hg19) VCF-style: chr16-2136872-G-A.
Other names: c.4989G>A (NM_000548.4); c.4788G>A, p.Lys1596= (NM_001077183.3); c.4920G>A, p.Lys1640= (NM_001114382.3); c.4680G>A, p.Lys1560= (NM_001318827.2); c.4644G>A, p.Lys1548= (NM_001318829.2); c.4257G>A, p.Lys1419= (NM_001318831.2); c.4821G>A, p.Lys1607= (NM_001318832.2); c.4791G>A, p.Lys1597= (NM_001363528.2); and 2 more.
Identifiers: ClinVar variation 571995 (VCV000571995.16), dbSNP rs1567124948, ClinGen allele CA492960076.

ClinVar aggregate classification (germline): Uncertain significance. Review status: criteria provided, multiple submitters, no conflicts (2 of 4 stars). 5 submissions from 5 submitters: Uncertain significance (4). 1 of the submissions does not count toward it. Last evaluated 2025-07-11.

Conditions:
Hereditary cancer-predisposing syndrome. Also called: Hereditary neoplastic syndrome; Neoplastic Syndromes, Hereditary; Hereditary Cancer Syndrome; Tumor predisposition. Identifiers: Orphanet 140162, MedGen C0027672, MeSH D009386, MONDO:0015356.
Tuberous sclerosis 2 (TSC2). Identifiers: Orphanet 805, MedGen C1860707, MONDO:0013199, OMIM 613254.
TSC2-related disorder. Also called: TSC2-Related Disorders; TSC2-related condition.
Isolated focal cortical dysplasia type II (FCORD2). Also called: Focal cortical dysplasia type II; CORTICAL DYSPLASIA OF TAYLOR. Identifiers: Orphanet 268994, MedGen C1846385, MONDO:0011818, OMIM 607341, HP:0032051.

Allele frequency attached by ClinVar (database versions not stated): gnomAD exomes below 0.00001.
gnomAD v4.1: 3 of 1,583,294 alleles (0.00019%); highest among the groups gnomAD compares: Non-Finnish European, 0.00026%; no homozygotes.

Submissions (5):

GeneDx
Classification: Uncertain significance. Last evaluated: 2025-07-11. Review status: criteria provided, single submitter. Criteria: GeneDx Variant Classification Process June 2021. Collection method: clinical testing. Allele origin: germline. Affected: yes.
Comment: Not observed at significant frequency in large population cohorts (gnomAD); In silico analysis supports a deleterious effect on splicing; Has not been previously published as pathogenic or benign to our knowledge

Ambry Genetics
Classification: Uncertain significance for Hereditary cancer-predisposing syndrome. Last evaluated: 2025-06-26. Review status: criteria provided, single submitter. Criteria: Ambry Variant Classification Scheme 2023. Collection method: clinical testing. Allele origin: germline.
Comment: The c.4989G>A variant (also known as p.K1663K), located in coding exon 37 of the TSC2 gene, results from a G to A substitution at nucleotide position 4989. This nucleotide substitution does not change the lysine at codon 1663. However, this change occurs in the last base pair of coding exon 37, which makes it likely to have some effect on normal mRNA splicing. This nucleotide position is not well conserved in available vertebrate species. In silico splice site analysis predicts that this alteration will result in the creation or strengthening of a novel splice donor site. RNA studies have demonstrated that this alteration results in an incomplete splice defect; the clinical impact of this abnormal splicing is unknown at this time (Ambry internal data). Since supporting evidence is limited at this time, the clinical significance of this alteration remains unclear.

Labcorp Genetics (formerly Invitae), Labcorp
Classification: Uncertain significance for Tuberous sclerosis 2. Last evaluated: 2024-01-27. Review status: criteria provided, single submitter. Criteria: Invitae Variant Classification Sherloc (09022015). Collection method: clinical testing. Allele origin: germline.
Comment: This sequence change affects codon 1663 of the TSC2 mRNA. It is a 'silent' change, meaning that it does not change the encoded amino acid sequence of the TSC2 protein. This variant also falls at the last nucleotide of exon 38, which is part of the consensus splice site for this exon. This variant is not present in population databases (gnomAD no frequency). This variant has not been reported in the literature in individuals affected with TSC2-related conditions. ClinVar contains an entry for this variant (Variation ID: 571995). Variants that disrupt the consensus splice site are a relatively common cause of aberrant splicing (PMID: 17576681, 9536098). Algorithms developed to predict the effect of sequence changes on RNA splicing suggest that this variant may create or strengthen a splice site. In summary, the available evidence is currently insufficient to determine the role of this variant in disease. Therefore, it has been classified as a Variant of Uncertain Significance.

Baylor Genetics
Classification: Uncertain significance for Isolated focal cortical dysplasia type II. Last evaluated: 2023-11-28. Review status: criteria provided, single submitter. Criteria: ACMG Guidelines, 2015. Collection method: clinical testing. Allele origin: unknown.

PreventionGenetics, part of Exact Sciences
Classification: Uncertain significance for TSC2-related condition. Last evaluated: 2024-01-11. Review status: no assertion criteria provided. Collection method: clinical testing. Allele origin: germline. Not counted in ClinVar's aggregate classification.
Comment: The TSC2 c.4989G>A variant is not predicted to result in an amino acid change (p.=). This variant is located at the last nucleotide of an exon and is predicted to alter splicing based on available splicing prediction programs (SpliceAI, Jaganathan et al. 2019. PubMed ID: 30661751). This variant was reported as a variant of uncertain significance in a large patient cohort undergoing hereditary cancer testing (Kamps-Hughes et al. 2023. PubMed ID: 36563937). Large scale RNA sequencing in patient leukocytes suggested that this variant might alter splicing,; however, the detailed splicing change was not available (Table S4, Kamps-Hughes et al. 2023. PubMed ID: 36563937). This variant has not been reported in a large population database, indicating this variant is rare. This variant is interpreted as uncertain significance in ClinVar. At this time, the clinical significance of this variant is uncertain due to the absence of conclusive functional and genetic evidence.

Literature cited by the submitters: PubMed 17576681 (cited by Labcorp Genetics (formerly Invitae), Labcorp); PubMed 9536098 (cited by Labcorp Genetics (formerly Invitae), Labcorp).